The following is an entry in ClinVar:

ClinVar aggregate classification (germline): Likely benign. Review status: criteria provided, multiple submitters, no conflicts (2 of 4 stars). 2 submissions from 2 submitters: Likely benign (2). Last evaluated 2025-09-24.

Conditions:
Early-infantile DEE. Also called: Early infantile epileptic encephalopathy; Early infantile epileptic encephalopathy with suppression bursts; Ohtahara syndrome. Identifiers: Orphanet 1934, MedGen C0393706, MONDO:0800491.

Allele frequency attached by ClinVar (database versions not stated): ExAC 0.00003; gnomAD 0.00003; gnomAD exomes 0.00001; TOPMed 0.00003.
gnomAD v4.1: 21 of 1,611,848 alleles (0.0013%); highest among the groups gnomAD compares: African/African-American, 0.0067%; no homozygotes.

Submissions (2):

Labcorp Genetics (formerly Invitae), Labcorp
Classification: Likely benign for Early-infantile DEE. Last evaluated: 2025-09-24. Review status: criteria provided, single submitter. Criteria: Invitae Variant Classification Sherloc (09022015). Collection method: clinical testing. Allele origin: germline.

Women's Health and Genetics/Laboratory Corporation of America, LabCorp
Classification: Likely benign. Last evaluated: 2024-06-21. Review status: criteria provided, single submitter. Criteria: LabCorp Variant Classification Summary - May 2015. Collection method: clinical testing. Allele origin: germline.
Comment: Variant summary: SPTAN1 c.2778+11G>A alters a non-conserved nucleotide located at a position not widely known to affect splicing. Consensus agreement among computation tools predict no significant impact on normal splicing. However, these predictions have yet to be confirmed by functional studies. The variant allele was found at a frequency of 1.6e-05 in 250040 control chromosomes. The available data on variant occurrences in the general population are insufficient to allow any conclusion about variant significance. To our knowledge, no occurrence of c.2778+11G>A in individuals affected with Epileptic Encephalopathy, Early Infantile, 5 and no experimental evidence demonstrating its impact on protein function have been reported. ClinVar contains an entry for this variant (Variation ID: 2915143). Based on the evidence outlined above, the variant was classified as likely benign.

NM_001130438.3(SPTAN1):c.2778+11G>A

Gene: SPTAN1 (spectrin alpha, non-erythrocytic 1; plus strand). Cytogenetic location: 9q34.11.
Variant type: single nucleotide variant.
Coding change: c.2778+11G>A on transcript NM_001130438.3 (MANE Select); 11 bases into the intron after coding-DNA position 2778, G replaced by A.
Molecular consequence: intron variant.
Genome position (GRCh38, 1-based): chr9:128,585,976, G>A. VCF-style: chr9-128585976-G-A. GRCh37 (hg19) VCF-style: chr9-131348255-G-A.
Other names: c.2814+11G>A (NM_001375318.1, NM_001375312.2); c.2778+11G>A (NM_001375311.2, NM_001375314.2, NM_001375310.1 and 5 more transcripts).
Identifiers: ClinVar variation 2915143 (VCV002915143.4), dbSNP rs751451527, ClinGen allele CA5264710.